The following is an entry in ClinVar:

ClinVar aggregate classification (germline): Uncertain significance. Review status: criteria provided, multiple submitters, no conflicts (2 of 4 stars). 3 submissions from 3 submitters: Uncertain significance (3). Last evaluated 2024-12-12.

Conditions:
Drash syndrome (DDS). Also called: NEPHROPATHY, WILMS TUMOR, AND GENITAL ANOMALIES; WILMS TUMOR AND PSEUDO- OR TRUE HERMAPHRODITISM. Identifiers: Orphanet 220, MedGen C0950121, MONDO:0008682, OMIM 194080.
Inborn genetic diseases. Identifiers: MedGen C0950123, MeSH D030342.
Wilms tumor 1 (WT1). Also called: Wilms tumor, somatic. Identifiers: Orphanet 654, MedGen CN033288, MONDO:0008679, OMIM 194070.
11p partial monosomy syndrome (WAGR). Also called: CHROMOSOME 11p13 DELETION SYNDROME; WAGR Spectrum Disorder; WAGR syndrome; WAGR Complex. Identifiers: Orphanet 893, MedGen C0206115, MONDO:0008681, OMIM 194072.
Frasier syndrome. Identifiers: Orphanet 347, MedGen C0950122, MeSH D052159, MONDO:0007635, OMIM 136680.

Allele frequency attached by ClinVar (database versions not stated): TOPMed below 0.00001; gnomAD exomes 0.00001.
gnomAD v4.1: 3 of 1,488,040 alleles (0.0002%); highest among the groups gnomAD compares: Non-Finnish European, 0.00027%; no homozygotes.

Submissions (3):

Labcorp Genetics (formerly Invitae), Labcorp
Classification: Uncertain significance for Wilms tumor 1; Drash syndrome; 11p partial monosomy syndrome; Frasier syndrome. Last evaluated: 2024-12-12. Review status: criteria provided, single submitter. Criteria: Invitae Variant Classification Sherloc (09022015). Collection method: clinical testing. Allele origin: germline.
Comment: This sequence change replaces proline, which is neutral and non-polar, with threonine, which is neutral and polar, at codon 111 of the WT1 protein (p.Pro111Thr). This variant is not present in population databases (gnomAD no frequency). This variant has not been reported in the literature in individuals affected with WT1-related conditions. ClinVar contains an entry for this variant (Variation ID: 543122). Invitae Evidence Modeling of protein sequence and biophysical properties (such as structural, functional, and spatial information, amino acid conservation, physicochemical variation, residue mobility, and thermodynamic stability) has been performed for this missense variant. However, the output from this modeling did not meet the statistical confidence thresholds required to predict the impact of this variant on WT1 protein function. In summary, the available evidence is currently insufficient to determine the role of this variant in disease. Therefore, it has been classified as a Variant of Uncertain Significance.

Ambry Genetics
Classification: Uncertain significance for Inborn genetic diseases. Last evaluated: 2024-11-28. Review status: criteria provided, single submitter. Criteria: Ambry Variant Classification Scheme 2023. Collection method: clinical testing. Allele origin: germline.
Comment: The p.P111T variant (also known as c.331C>A), located in coding exon 1 of the WT1 gene, results from a C to A substitution at nucleotide position 331. The proline at codon 111 is replaced by threonine, an amino acid with highly similar properties. This amino acid position is conserved. In addition, this alteration is predicted to be tolerated by in silico analysis. Based on the available evidence, the clinical significance of this variant remains unclear.

Baylor Genetics
Classification: Uncertain significance for Drash syndrome. Last evaluated: 2023-05-16. Review status: criteria provided, single submitter. Criteria: ACMG Guidelines, 2015. Collection method: clinical testing. Allele origin: unknown.

NM_024426.6(WT1):c.346C>A (p.Pro116Thr)

Genes: WT1 (WT1 transcription factor; minus strand), LOC107982234 (WT1/WT1-AS bi-directional promoter region; plus strand). Cytogenetic location: 11p13.
Variant type: single nucleotide variant.
Coding change: c.346C>A on transcript NM_024426.6 (MANE Select); coding-DNA position 346, C replaced by A.
Protein change: p.Pro116Thr; replaces proline 116 with threonine.
Molecular consequence: missense variant. On other transcripts: non-coding transcript variant (1).
Genome position (GRCh38, 1-based): chr11:32,435,015, G>T on the plus strand (C>A on the coding strand, the complement: WT1 is on the minus strand). VCF-style: chr11-32435015-G-T. GRCh37 (hg19) VCF-style: chr11-32456561-G-T.
Other names: c.346C>A, p.Pro116Thr (NM_000378.6, NM_024424.5); short protein forms P116T.
Identifiers: ClinVar variation 543122 (VCV000543122.13), dbSNP rs1554946595, ClinGen allele CA379965880.